The following is an entry in ClinVar:

NM_001367624.2(ZNF469):c.1304C>T (p.Ala435Val)

Gene: ZNF469 (zinc finger protein 469; plus strand). Cytogenetic location: 16q24.2.
Variant type: single nucleotide variant.
Coding change: c.1304C>T on transcript NM_001367624.2 (MANE Select); coding-DNA position 1304, C replaced by T.
Protein change: p.Ala435Val; replaces alanine 435 with valine.
Molecular consequence: missense variant.
Genome position (GRCh38, 1-based): chr16:88,428,774, C>T. VCF-style: chr16-88428774-C-T. GRCh37 (hg19) VCF-style: chr16-88495182-C-T.
Other names: short protein forms A435V.
Identifiers: ClinVar variation 2025498 (VCV002025498.4), dbSNP rs2507574480, ClinGen allele CA397064298.

ClinVar aggregate classification (germline): Uncertain significance (1 of 4 stars; one submission).

Submission:

Labcorp Genetics (formerly Invitae), Labcorp
Classification: Uncertain significance. Last evaluated: 2022-07-19. Review status: criteria provided, single submitter. Criteria: Invitae Variant Classification Sherloc (09022015). Collection method: clinical testing. Allele origin: germline.
Comment: In summary, the available evidence is currently insufficient to determine the role of this variant in disease. Therefore, it has been classified as a Variant of Uncertain Significance. Algorithms developed to predict the effect of missense changes on protein structure and function (SIFT, PolyPhen-2, Align-GVGD) all suggest that this variant is likely to be tolerated. This variant has not been reported in the literature in individuals affected with ZNF469-related conditions. This variant is not present in population databases (gnomAD no frequency). This sequence change replaces alanine, which is neutral and non-polar, with valine, which is neutral and non-polar, at codon 435 of the ZNF469 protein (p.Ala435Val).